The following is an entry in ClinVar:

ClinVar aggregate classification (germline): Uncertain significance. Review status: criteria provided, multiple submitters, no conflicts (2 of 4 stars). 5 submissions from 5 submitters: Uncertain significance (5). Last evaluated 2025-07-21.

Conditions:
Cardiovascular phenotype. Identifiers: MedGen CN230736.
Cardiac arrhythmia. Also called: Arrhythmia; Cardiac rhythm disease. Identifiers: MedGen C0003811, MONDO:0007263, HP:0011675.
Long QT syndrome 2 (LQT2). Identifiers: Orphanet 101016, Orphanet 768, MedGen C3150943, MONDO:0013367, OMIM 613688.
Long QT syndrome (LQTS). Identifiers: MedGen C0023976, MeSH D008133, MONDO:0002442. Disease mechanism: loss of function. Inheritance: Various modes of inheritance.

Allele frequency attached by ClinVar (database versions not stated): gnomAD 0.00001; TOPMed 0.00001; gnomAD exomes 0.00002; ExAC 0.00003.
gnomAD v4.1: 20 of 1,610,758 alleles (0.0012%); highest among the groups gnomAD compares: South Asian, 0.0033%; no homozygotes.

Submissions (5):

Color Diagnostics, LLC DBA Color Health
Classification: Uncertain significance for Cardiac arrhythmia. Last evaluated: 2025-07-21. Review status: criteria provided, single submitter. Criteria: ACMG Guidelines, 2015. Collection method: clinical testing. Allele origin: germline.
Comment: This missense variant replaces threonine with methionine at codon 1072 of the KCNH2 protein. Computational prediction suggests that this variant may not impact protein structure and function. To our knowledge, functional studies have not been reported for this variant. This variant has been reported in an individual affected with atrioventricular nodal reentry tachycardia (PMID: 32508047) and in an individual affected with hypertrophic cardiomyopathy (PMID: 38139087). This variant has been identified in 7/280810 chromosomes in the general population by the Genome Aggregation Database (gnomAD). The available evidence is insufficient to determine the role of this variant in disease conclusively. Therefore, this variant is classified as a Variant of Uncertain Significance.

Labcorp Genetics (formerly Invitae), Labcorp
Classification: Uncertain significance for Long QT syndrome. Last evaluated: 2025-01-30. Review status: criteria provided, single submitter. Criteria: Invitae Variant Classification Sherloc (09022015). Collection method: clinical testing. Allele origin: germline.
Comment: This sequence change replaces threonine, which is neutral and polar, with methionine, which is neutral and non-polar, at codon 1072 of the KCNH2 protein (p.Thr1072Met). This variant is present in population databases (rs781624566, gnomAD 0.007%). This missense change has been observed in individual(s) with clinical features of KCNH2-related conditions (PMID: 32508047, 37937776). ClinVar contains an entry for this variant (Variation ID: 359303). An algorithm developed to predict the effect of missense changes on protein structure and function (PolyPhen-2) suggests that this variant is likely to be disruptive. In summary, the available evidence is currently insufficient to determine the role of this variant in disease. Therefore, it has been classified as a Variant of Uncertain Significance.

Ambry Genetics
Classification: Uncertain significance for Cardiovascular phenotype. Last evaluated: 2021-03-19. Review status: criteria provided, single submitter. Criteria: Ambry Variant Classification Scheme 2023. Collection method: clinical testing. Allele origin: germline.
Comment: The p.T1072M variant (also known as c.3215C>T), located in coding exon 14 of the KCNH2 gene, results from a C to T substitution at nucleotide position 3215. The threonine at codon 1072 is replaced by methionine, an amino acid with similar properties, and is located in the cytoplasmic C-terminal region. This amino acid position is not well conserved in available vertebrate species. In addition, the in silico prediction for this alteration is inconclusive. Since supporting evidence is limited at this time, the clinical significance of this alteration remains unclear.

Athena Diagnostics
Classification: Uncertain significance. Last evaluated: 2018-01-23. Review status: criteria provided, single submitter. Criteria: Athena Diagnostics Criteria. Collection method: clinical testing. Allele origin: germline.

Illumina Laboratory Services, Illumina
Classification: Uncertain significance for Long QT syndrome 2. Last evaluated: 2018-01-12. Review status: criteria provided, single submitter. Criteria: ICSL Variant Classification Criteria 13 December 2019. Collection method: clinical testing. Allele origin: germline.

Literature cited by the submitters: PubMed 32508047 (cited by Color Diagnostics, LLC DBA Color Health and Labcorp Genetics (formerly Invitae), Labcorp); PubMed 38139087 (cited by Color Diagnostics, LLC DBA Color Health); PubMed 37937776 (cited by Labcorp Genetics (formerly Invitae), Labcorp).

NM_000238.4(KCNH2):c.3215C>T (p.Thr1072Met)

Gene: KCNH2 (potassium voltage-gated channel subfamily H member 2; minus strand). Cytogenetic location: 7q36.1.
Variant type: single nucleotide variant.
Coding change: c.3215C>T on transcript NM_000238.4 (MANE Select); coding-DNA position 3215, C replaced by T.
Protein change: p.Thr1072Met; replaces threonine 1072 with methionine.
Molecular consequence: missense variant.
Genome position (GRCh38, 1-based): chr7:150,946,992, G>A on the plus strand (C>T on the coding strand, the complement: KCNH2 is on the minus strand). VCF-style: chr7-150946992-G-A. GRCh37 (hg19) VCF-style: chr7-150644080-G-A.
Other names: c.2195C>T, p.Thr732Met (NM_172057.3); short protein forms T732M, T1072M.
Identifiers: ClinVar variation 359303 (VCV000359303.23), dbSNP rs781624566, ClinGen allele CA037913.